The following is an entry in ClinVar:

NM_006445.4(PRPF8):c.2117C>T (p.Ala706Val)

Gene: PRPF8 (pre-mRNA processing factor 8; minus strand). Cytogenetic location: 17p13.3.
Variant type: single nucleotide variant.
Coding change: c.2117C>T on transcript NM_006445.4 (MANE Select); coding-DNA position 2117, C replaced by T.
Protein change: p.Ala706Val; replaces alanine 706 with valine.
Molecular consequence: missense variant.
Genome position (GRCh38, 1-based): chr17:1,677,040, G>A on the plus strand (C>T on the coding strand, the complement: PRPF8 is on the minus strand). VCF-style: chr17-1677040-G-A. GRCh37 (hg19) VCF-style: chr17-1580334-G-A.
Other names: short protein forms A706V.
Identifiers: ClinVar variation 4746574 (VCV004746574.1).

ClinVar aggregate classification (germline): Uncertain significance (1 of 4 stars; one submission).

Submission:

Labcorp Genetics (formerly Invitae), Labcorp
Classification: Uncertain significance. Last evaluated: 2025-07-15. Review status: criteria provided, single submitter. Criteria: Invitae Variant Classification Sherloc (09022015). Collection method: clinical testing. Allele origin: germline.
Comment: This sequence change replaces alanine, which is neutral and non-polar, with valine, which is neutral and non-polar, at codon 706 of the PRPF8 protein (p.Ala706Val). This variant is not present in population databases (gnomAD no frequency). This variant has not been reported in the literature in individuals affected with PRPF8-related conditions. Invitae Evidence Modeling of protein sequence and biophysical properties (such as structural, functional, and spatial information, amino acid conservation, physicochemical variation, residue mobility, and thermodynamic stability) indicates that this missense variant is not expected to disrupt PRPF8 protein function with a negative predictive value of 80%. In summary, the available evidence is currently insufficient to determine the role of this variant in disease. Therefore, it has been classified as a Variant of Uncertain Significance.